The following is an entry in ClinVar:

NM_004541.4(NDUFA1):c.102+1G>A

Genes: NDUFA1 (NADH:ubiquinone oxidoreductase subunit A1; plus strand), LOC130068621 (ATAC-STARR-seq lymphoblastoid active region 29902; plus strand). Cytogenetic location: Xq24.
Variant type: single nucleotide variant.
Coding change: c.102+1G>A on transcript NM_004541.4 (MANE Select); the canonical splice donor site of the intron after coding-DNA position 102, G replaced by A.
Molecular consequence: splice donor variant.
Genome position (GRCh38, 1-based): chrX:119,872,014, G>A. VCF-style: chrX-119872014-G-A. GRCh37 (hg19) VCF-style: chrX-119005977-G-A.
Identifiers: ClinVar variation 3253448 (VCV003253448.1), dbSNP rs2147813062.

ClinVar aggregate classification (germline): Uncertain significance (1 of 4 stars; one submission).

Submission:

GeneDx
Classification: Uncertain significance. Last evaluated: 2024-02-28. Review status: criteria provided, single submitter. Criteria: GeneDx Variant Classification Process June 2021. Collection method: clinical testing. Allele origin: germline. Affected: yes.
Comment: Not observed in large population cohorts (gnomAD); Canonical splice site variant in a gene for which loss-of-function is not a known mechanism of disease; Has not been previously published as pathogenic or benign to our knowledge